The following is an entry in ClinVar:

NM_020297.4(ABCC9):c.816G>T (p.Lys272Asn)

Gene: ABCC9 (ATP binding cassette subfamily C member 9; minus strand). Cytogenetic location: 12p12.1.
Variant type: single nucleotide variant.
Coding change: c.816G>T on transcript NM_020297.4 (MANE Select); coding-DNA position 816, G replaced by T.
Protein change: p.Lys272Asn; replaces lysine 272 with asparagine.
Molecular consequence: missense variant. On other transcripts: intron variant (1).
Genome position (GRCh38, 1-based): chr12:21,915,668, C>A on the plus strand (G>T on the coding strand, the complement: ABCC9 is on the minus strand). VCF-style: chr12-21915668-C-A. GRCh37 (hg19) VCF-style: chr12-22068602-C-A.
Other names: c.816G>T, p.Lys272Asn (NM_001377273.1, NM_005691.4); c.-48-2602G>T (NM_001377274.1); short protein forms K272N.
Identifiers: ClinVar variation 662632 (VCV000662632.8), dbSNP rs1592227285, ClinGen allele CA384123348.

ClinVar aggregate classification (germline): Uncertain significance (1 of 4 stars; one submission).

Conditions:
Dilated cardiomyopathy 1O (CMD1O). Also called: CARDIOMYOPATHY, DILATED, WITH VENTRICULAR TACHYCARDIA. Identifiers: Orphanet 154, MedGen C1837839, MONDO:0012062, OMIM 608569.

Submission:

Labcorp Genetics (formerly Invitae), Labcorp
Classification: Uncertain significance for Dilated cardiomyopathy 1O. Last evaluated: 2018-08-21. Review status: criteria provided, single submitter. Criteria: Invitae Variant Classification Sherloc (09022015). Collection method: clinical testing. Allele origin: germline.
Comment: In summary, the available evidence is currently insufficient to determine the role of this variant in disease. Therefore, it has been classified as a Variant of Uncertain Significance. Nucleotide substitutions within the consensus splice site are a relatively common cause of aberrant splicing (PMID: 17576681, 9536098). Algorithms developed to predict the effect of sequence changes on RNA splicing suggest that this variant may disrupt the consensus splice site, but this prediction has not been confirmed by published transcriptional studies. Algorithms developed to predict the effect of missense changes on protein structure and function (SIFT, PolyPhen-2, Align-GVGD) all suggest that this variant is likely to be tolerated, but these predictions have not been confirmed by published functional studies and their clinical significance is uncertain. This variant has not been reported in the literature in individuals with ABCC9-related disease. This variant is not present in population databases (ExAC no frequency). This sequence change replaces lysine with asparagine at codon 272 of the ABCC9 protein (p.Lys272Asn). The lysine residue is moderately conserved and there is a moderate physicochemical difference between lysine and asparagine. This variant also falls at the last nucleotide of exon 5 of the ABCC9 coding sequence, which is part of the consensus splice site for this exon.

Literature cited by the submitters: PubMed 17576681; PubMed 9536098.